The following is an entry in ClinVar:

ClinVar aggregate classification (germline): Conflicting classifications of pathogenicity. Review status: criteria provided, conflicting classifications (1 of 4 stars). 2 submissions from 2 submitters: Uncertain significance (1); Likely benign (1). Last evaluated 2025-06-09.

Conditions:
Episodic ataxia type 2 (EA2). Also called: ATAXIA, EPISODIC, WITH NYSTAGMUS; ATAXIA, FAMILIAL PAROXYSMAL; CEREBELLAR ATAXIA, PAROXYSMAL, ACETAZOLAMIDE-RESPONSIVE; CEREBELLOPATHY, HEREDITARY PAROXYSMAL; ACETAZOLAMIDE-RESPONSIVE HEREDITARY PAROXYSMAL CEREBELLAR ATAXIA; EPISODIC ATAXIA, NYSTAGMUS-ASSOCIATED. Identifiers: Orphanet 97, MedGen C1720416, MONDO:0007163, OMIM 108500.
Developmental and epileptic encephalopathy, 42 (DEE42A). Also called: Epileptic encephalopathy, early infantile, 42; DEVELOPMENTAL AND EPILEPTIC ENCEPHALOPATHY 42A; EPILEPTIC ENCEPHALOPATHY, EARLY INFANTILE, 42A. Identifiers: MedGen C4310716, MONDO:0014917, OMIM 617106.

Allele frequency attached by ClinVar (database versions not stated): gnomAD exomes 0.00001.

Submissions (2):

Labcorp Genetics (formerly Invitae), Labcorp
Classification: Likely benign for Developmental and epileptic encephalopathy, 42; Episodic ataxia type 2. Last evaluated: 2025-06-09. Review status: criteria provided, single submitter. Criteria: Invitae Variant Classification Sherloc (09022015). Collection method: clinical testing. Allele origin: germline.

GeneDx
Classification: Uncertain significance. Last evaluated: 2017-09-21. Review status: criteria provided, single submitter. Criteria: GeneDx Variant Classification (06012015). Collection method: clinical testing. Allele origin: germline. Affected: yes.
Comment: The C1175G variant in the CACNA1A gene has not been reported previously as a pathogenic variant, nor as a benign variant, to our knowledge. The C1175G variant is not observed in large population cohorts (Lek et al., 2016). The C1175G variant is a non-conservative amino acid substitution, which is likely to impact secondary protein structure as these residues differ in polarity, charge, size and/or other properties. This substitution occurs at a position that is not conserved. In silico analysis predicts this variant is probably damaging to the protein structure/function. We interpret C1175G as a variant of uncertain significance.

NM_001127222.2(CACNA1A):c.3520T>G (p.Cys1174Gly)

Gene: CACNA1A (calcium voltage-gated channel subunit alpha1 A; minus strand). Cytogenetic location: 19p13.13.
Variant type: single nucleotide variant.
Coding change: c.3520T>G on transcript NM_001127222.2 (MANE Select); coding-DNA position 3520, T replaced by G.
Protein change: p.Cys1174Gly; replaces cysteine 1174 with glycine.
Molecular consequence: missense variant.
Genome position (GRCh38, 1-based): chr19:13,286,536, A>C on the plus strand (T>G on the coding strand, the complement: CACNA1A is on the minus strand). VCF-style: chr19-13286536-A-C. GRCh37 (hg19) VCF-style: chr19-13397350-A-C.
Other names: c.3532T>G, p.Cys1178Gly (NM_000068.4, NM_023035.3); c.3523T>G, p.Cys1175Gly (NM_001127221.2, NM_001174080.2); short protein forms C1175G, C1178G, C1174G.
Identifiers: ClinVar variation 451896 (VCV000451896.10), dbSNP rs996509493, ClinGen allele CA305564013.